The following is an entry in ClinVar:

NC_000008.11:g.40327353_40332030del

Variant type: Deletion.
Genome position: GRCh38: chr8:40,327,353-40,332,030. GRCh37 (hg19): chr8:40,184,872-40,189,549.
Identifiers: ClinVar variation 157114 (VCV000157114.3), ClinGen allele CA212226.

ClinVar aggregate classification (germline): not provided. Review status: no classification provided (0 of 4 stars). 2 submissions from 1 submitter: not provided (2).

Conditions:
Small for gestational age. Also called: Low birth weight. Identifiers: MedGen C0235991, HP:0001518.
Gestational diabetes mellitus uncontrolled. Identifiers: MedGen C3532257.

Submissions (2):

Institute of Molecular and Cell Biology, University of Tartu
No classification provided. Condition: Small for gestational age. Review status: no classification provided. Collection method: case-control. Allele origin: unknown. Affected: yes. Study: Kasak2014.
Comment: The study aimed to determine the contribution of copy number variants in the genetic etiology of normal and complicated pregnancies. The samples represented (i) maternal blood DNA drawn from healthy pregnant women during 1st or 2nd trimester and (ii) maternal and paternal blood DNA drawn at term pregnancy cases representing normal and complicated gestations (severe preeclampsia, PE; gestational diabetes, GD; small-for-gestational age newborn, SGA; large-for-gestational age newborn, LGA). We performed CNV calling based on genome-wide genotyping dataset (Illumina HumanOmniExpress-24-v1 BeadChip) by applying three algorithms, QuantiSNP, GADA (Genome Alteration Detection Algorithm) and CNstream in parallel. The acquired CNV calls were merged with HD-CNV (Hotspot Detector for Copy Number Variants) program and only the CNVs predicted by at least two programs, were considered in subsequent analysis.

Institute of Molecular and Cell Biology, University of Tartu
No classification provided. Condition: Gestational diabetes mellitus uncontrolled. Review status: no classification provided. Collection method: case-control. Allele origin: unknown. Affected: yes. Study: Kasak2014.
Comment: the same text as in the submission from Institute of Molecular and Cell Biology, University of Tartu above.

Literature cited by the submitters: PubMed 25666259.